The following is an entry in ClinVar:

ClinVar aggregate classification (germline): Uncertain significance. Review status: criteria provided, multiple submitters, no conflicts (2 of 4 stars). 2 submissions from 2 submitters: Uncertain significance (2). Last evaluated 2025-04-24.

Conditions:
BBS2-related disorder. Also called: BBS2-related condition; BBS2-related disorders. Identifiers: MedGen CN239228.
Bardet-Biedl syndrome (BBS). Identifiers: Orphanet 110, MedGen C0752166, MONDO:0015229.

Allele frequency attached by ClinVar (database versions not stated): gnomAD exomes below 0.00001 and 0.00001; ExAC 0.00001; gnomAD 0.00001; TOPMed 0.00002.
gnomAD v4.1: 8 of 1,614,030 alleles (0.0005%); highest among the groups gnomAD compares: Non-Finnish European, 0.00068%; no homozygotes.

Submissions (2):

PreventionGenetics, part of Exact Sciences
Classification: Uncertain significance for BBS2-related condition. Last evaluated: 2025-04-24. Review status: criteria provided, single submitter. Criteria: ACMG Guidelines, 2015. Collection method: clinical testing. Allele origin: germline.
Comment: The BBS2 c.1297A>G variant is predicted to result in the amino acid substitution p.Ser433Gly. To our knowledge, this variant has not been reported in the literature. This variant is reported in 0.0026% of alleles in individuals of European (Non-Finnish) descent in gnomAD. At this time, the clinical significance of this variant is uncertain due to the absence of conclusive functional and genetic evidence.

Labcorp Genetics (formerly Invitae), Labcorp
Classification: Uncertain significance for Bardet-Biedl syndrome. Last evaluated: 2021-09-01. Review status: criteria provided, single submitter. Criteria: Invitae Variant Classification Sherloc (09022015). Collection method: clinical testing. Allele origin: germline.
Comment: This sequence change replaces serine with glycine at codon 433 of the BBS2 protein (p.Ser433Gly). The serine residue is highly conserved and there is a small physicochemical difference between serine and glycine. This variant is present in population databases (rs752065274, ExAC 0.001%). This variant has not been reported in the literature in individuals affected with BBS2-related conditions. Algorithms developed to predict the effect of missense changes on protein structure and function (SIFT, PolyPhen-2, Align-GVGD) all suggest that this variant is likely to be tolerated. In summary, the available evidence is currently insufficient to determine the role of this variant in disease. Therefore, it has been classified as a Variant of Uncertain Significance.

NM_031885.5(BBS2):c.1297A>G (p.Ser433Gly)

Gene: BBS2 (Bardet-Biedl syndrome 2; minus strand). Cytogenetic location: 16q13.
Variant type: single nucleotide variant.
Coding change: c.1297A>G on transcript NM_031885.5 (MANE Select); coding-DNA position 1297, A replaced by G.
Protein change: p.Ser433Gly; replaces serine 433 with glycine.
Molecular consequence: missense variant. On other transcripts: non-coding transcript variant (2).
Genome position (GRCh38, 1-based): chr16:56,500,954, T>C on the plus strand (A>G on the coding strand, the complement: BBS2 is on the minus strand). VCF-style: chr16-56500954-T-C. GRCh37 (hg19) VCF-style: chr16-56534866-T-C.
Other names: c.1297A>G, p.Ser433Gly (NM_001377456.1); short protein forms S433G.
Identifiers: ClinVar variation 849726 (VCV000849726.7), dbSNP rs752065274, ClinGen allele CA8065769.
Genomic context (GRCh38, chr16:56,500,954, plus strand): 5'-CAGGGACATCTTTGGGAGGCACAATAGGGATGCAGATGGAACTGGAGAGGTTGTGAATGC[T>C]GGGATGTACCACGTGGCTTTCACCTGTAAAAATTCCTTCTGCAAAAATCAATACTGCTCG-3'
Protein context (NP_114091.4, residues 423-443): FTGESHVVHP[Ser433Gly]IHNLSSSICI